The following is an entry in ClinVar:

NM_201384.3(PLEC):c.10469A>C (p.Gln3490Pro)

Gene: PLEC (plectin; minus strand). Cytogenetic location: 8q24.3.
Variant type: single nucleotide variant.
Coding change: c.10469A>C on transcript NM_201384.3 (MANE Select); coding-DNA position 10469, A replaced by C.
Protein change: p.Gln3490Pro; replaces glutamine 3490 with proline.
Molecular consequence: missense variant.
Genome position (GRCh38, 1-based): chr8:143,919,352, T>G on the plus strand (A>C on the coding strand, the complement: PLEC is on the minus strand). VCF-style: chr8-143919352-T-G. GRCh37 (hg19) VCF-style: chr8-144993520-T-G.
Other names: c.10550A>C (NM_000445.3); c.10550A>C, p.Gln3517Pro (NM_000445.5); c.10427A>C, p.Gln3476Pro (NM_201378.4); c.10403A>C, p.Gln3468Pro (NM_201379.3); c.10880A>C, p.Gln3627Pro (NM_201380.4); c.10373A>C, p.Gln3458Pro (NM_201381.3); c.10469A>C, p.Gln3490Pro (NM_201382.4); c.10481A>C, p.Gln3494Pro (NM_201383.3); short protein forms Q3468P, Q3476P, Q3490P, Q3458P, Q3517P, Q3494P, Q3627P.
Identifiers: ClinVar variation 846822 (VCV000846822.12), dbSNP rs371479882, ClinGen allele CA4924643.

ClinVar aggregate classification (germline): Uncertain significance. Review status: criteria provided, multiple submitters, no conflicts (2 of 4 stars). 2 submissions from 2 submitters: Uncertain significance (2). Last evaluated 2025-05-22.

Conditions:
Inborn genetic diseases. Identifiers: MedGen C0950123, MeSH D030342.
Epidermolysis bullosa simplex 5C, with pyloric atresia (EBS5C). Also called: PLEC1-Related Epidermolysis Bullosa with Pyloric Atresia; Epidermolysis bullosa simplex with pyloric atresia; PLEC-Related Epidermolysis Bullosa with Pyloric Atresia. Identifiers: Orphanet 158684, MedGen C2677349, MONDO:0012807, OMIM 612138.
Autosomal recessive limb-girdle muscular dystrophy type 2Q (LGMDR17). Also called: MUSCULAR DYSTROPHY, LIMB-GIRDLE, AUTOSOMAL RECESSIVE 17. Identifiers: Orphanet 254361, MedGen C3150989, MONDO:0013390, OMIM 613723.
Epidermolysis bullosa simplex with nail dystrophy (EBS5D). Identifiers: MedGen C4225309, MONDO:0014661, OMIM 616487.
Epidermolysis bullosa simplex 5B, with muscular dystrophy (EBS5B). Also called: Epidermolysis bullosa simplex with muscular dystrophy; EPIDERMOLYSIS BULLOSA SIMPLEX AND LIMB-GIRDLE MUSCULAR DYSTROPHY. Identifiers: Orphanet 257, MedGen C2931072, MONDO:0009181, OMIM 226670.
Epidermolysis bullosa simplex, Ogna type (EBS5A). Also called: EPIDERMOLYSIS BULLOSA SIMPLEX 5A, OGNA TYPE; Pidermolysis bullosa simplex 5A, Ogna type. Identifiers: Orphanet 79401, MedGen C0432317, MONDO:0007555, OMIM 131950.

Allele frequency attached by ClinVar (database versions not stated): ExAC 0.00001; gnomAD exomes 0.00001 and 0.00009; ESP Exome Variant Server 0.00008.
gnomAD v4.1: 128 of 1,613,766 alleles (0.0079%); highest among the groups gnomAD compares: Non-Finnish European, 0.011%; no homozygotes.

Submissions (2):

Ambry Genetics
Classification: Uncertain significance for Inborn genetic diseases. Last evaluated: 2025-05-22. Review status: criteria provided, single submitter. Criteria: Ambry Variant Classification Scheme 2023. Collection method: clinical testing. Allele origin: germline.

Labcorp Genetics (formerly Invitae), Labcorp
Classification: Uncertain significance for Autosomal recessive limb-girdle muscular dystrophy type 2Q; Epidermolysis bullosa simplex, Ogna type; Epidermolysis bullosa simplex with nail dystrophy; Epidermolysis bullosa simplex 5C, with pyloric atresia; Epidermolysis bullosa simplex 5B, with muscular dystrophy. Last evaluated: 2025-04-02. Review status: criteria provided, single submitter. Criteria: Invitae Variant Classification Sherloc (09022015). Collection method: clinical testing. Allele origin: germline.
Comment: This sequence change replaces glutamine, which is neutral and polar, with proline, which is neutral and non-polar, at codon 3517 of the PLEC protein (p.Gln3517Pro). This variant is present in population databases (rs371479882, gnomAD 0.003%). This variant has not been reported in the literature in individuals affected with PLEC-related conditions. ClinVar contains an entry for this variant (Variation ID: 846822). Invitae Evidence Modeling of protein sequence and biophysical properties (such as structural, functional, and spatial information, amino acid conservation, physicochemical variation, residue mobility, and thermodynamic stability) indicates that this missense variant is not expected to disrupt PLEC protein function with a negative predictive value of 80%. In summary, the available evidence is currently insufficient to determine the role of this variant in disease. Therefore, it has been classified as a Variant of Uncertain Significance.